The following is an entry in ClinVar:

NM_144585.4(SLC22A12):c.-10A>C

Gene: SLC22A12 (solute carrier family 22 member 12; plus strand). Cytogenetic location: 11q13.1.
Variant type: single nucleotide variant.
Coding change: c.-10A>C on transcript NM_144585.4 (MANE Select); 10 bases upstream of the start codon, A replaced by C.
Molecular consequence: 5 prime UTR variant.
Genome position (GRCh38, 1-based): chr11:64,591,547, A>C. VCF-style: chr11-64591547-A-C. GRCh37 (hg19) VCF-style: chr11-64359019-A-C.
Other names: c.-10A>C (NM_001276326.2, NM_001276327.2); c.-407A>C (NM_153378.3).
Identifiers: ClinVar variation 305228 (VCV000305228.6), dbSNP rs749437340, ClinGen allele CA6076959.

ClinVar aggregate classification (germline): Conflicting classifications of pathogenicity. Review status: criteria provided, conflicting classifications (1 of 4 stars). 2 submissions from 2 submitters: Uncertain significance (1); Likely benign (1). Last evaluated 2025-01-21.

Conditions:
Dalmatian hypouricemia (RHUC1). Identifiers: MedGen C0473219, MONDO:0020728, OMIM 220150.

Allele frequency attached by ClinVar (database versions not stated): gnomAD 0.00001; gnomAD exomes 0.00002 and 0.00005; TOPMed 0.00002; ExAC 0.00003.

Submissions (2):

Mayo Clinic Laboratories, Mayo Clinic
Classification: Likely benign. Last evaluated: 2025-01-21. Review status: criteria provided, single submitter. Criteria: ACMG Guidelines, 2015. Collection method: clinical testing. Allele origin: germline. Observed: 1 variant allele.
Comment: BP4

Illumina Laboratory Services, Illumina
Classification: Uncertain significance for Dalmatian hypouricemia. Last evaluated: 2018-01-13. Review status: criteria provided, single submitter. Criteria: ICSL Variant Classification Criteria 13 December 2019. Collection method: clinical testing. Allele origin: germline.